The following is an entry in ClinVar:

NM_000113.3(TOR1A):c.*961T>A

Gene: TOR1A (torsin family 1 member A; minus strand). Cytogenetic location: 9q34.11.
Variant type: single nucleotide variant.
Coding change: c.*961T>A on transcript NM_000113.3 (MANE Select); 961 bases downstream of the stop codon, T replaced by A.
Molecular consequence: 3 prime UTR variant.
Genome position (GRCh38, 1-based): chr9:129,813,011, A>T on the plus strand (T>A on the coding strand, the complement: TOR1A is on the minus strand). VCF-style: chr9-129813011-A-T. GRCh37 (hg19) VCF-style: chr9-132575290-A-T.
Identifiers: ClinVar variation 365212 (VCV000365212.5), dbSNP rs79201718, ClinGen allele CA10632817.
Genomic context (GRCh38, chr9:129,813,011, plus strand): 5'-CAAAATTTTATTGTAAAACGGTAGCCATTTGCATTTATAAAGAAAGACACCGTTCTCAGC[A>T]TCCTCAGAAGGGGCAGCTAAGCTTTATAGGAGGTTTCGGGGATTCTGATTGAACGTAACA-3'

ClinVar aggregate classification (germline): Benign (1 of 4 stars; one submission).

Conditions:
Early-onset generalized limb-onset dystonia. Also called: DYSTONIA MUSCULORUM DEFORMANS 1; Oppenheim's dystonia; Early onset torsion dystonia; DYT-TOR1A; Dystonia-1, torsion; Dystonia 1, modifier of. Identifiers: Orphanet 256, MedGen C1851945, MONDO:0007492, OMIM 128100.

Allele frequency attached by ClinVar (database versions not stated): gnomAD 0.04119 and 0.04422; TOPMed 0.04588; 1000 Genomes Project 0.04852; 1000 Genomes Project 30x 0.04981.

Submission:

Illumina Laboratory Services, Illumina
Classification: Benign for Early-onset generalized limb-onset dystonia. Last evaluated: 2018-01-13. Review status: criteria provided, single submitter. Criteria: ICSL Variant Classification Criteria 13 December 2019. Collection method: clinical testing. Allele origin: germline.
Comment: This variant was observed in the ICSL laboratory as part of a predisposition screen in an ostensibly healthy population. It had not been previously curated by ICSL or reported in the Human Gene Mutation Database (HGMD: prior to June 1st, 2018), and was therefore a candidate for classification through an automated scoring system. Utilizing variant allele frequency, disease prevalence and penetrance estimates, and inheritance mode, an automated score was calculated to assess if this variant is too frequent to cause the disease. Based on the score and internal cut-off values, a variant classified as benign is not then subjected to further curation. The score for this variant resulted in a classification of benign for this disease.